The following is an entry in ClinVar:

ClinVar aggregate classification (germline): Uncertain significance (1 of 4 stars; one submission).

Conditions:
Singleton-Merten syndrome 1 (SGMRT1). Also called: Widened medullary cavities of bone, aortic calcification, abnormal dentition, and muscular weakness; Syndrome of widened medullary cavities of the metacarpals and phalanges, aortic calcification and abnormal dentition. Identifiers: Orphanet 85191, MedGen C4225427, MONDO:0024535, OMIM 182250.
Aicardi-Goutieres syndrome 7 (AGS7). Identifiers: Orphanet 51, MedGen C3888244, MONDO:0014367, OMIM 615846.

Allele frequency attached by ClinVar (database versions not stated): TOPMed below 0.00001; gnomAD exomes 0.00002.
gnomAD v4.1: 25 of 1,604,864 alleles (0.0016%); highest among the groups gnomAD compares: Non-Finnish European, 0.0021%; no homozygotes.

Submission:

Labcorp Genetics (formerly Invitae), Labcorp
Classification: Uncertain significance for Aicardi-Goutieres syndrome 7; Singleton-Merten syndrome 1. Last evaluated: 2023-03-26. Review status: criteria provided, single submitter. Criteria: Invitae Variant Classification Sherloc (09022015). Collection method: clinical testing. Allele origin: germline.
Comment: In summary, the available evidence is currently insufficient to determine the role of this variant in disease. Therefore, it has been classified as a Variant of Uncertain Significance. Advanced modeling of protein sequence and biophysical properties (such as structural, functional, and spatial information, amino acid conservation, physicochemical variation, residue mobility, and thermodynamic stability) has been performed at Invitae for this missense variant, however the output from this modeling did not meet the statistical confidence thresholds required to predict the impact of this variant on IFIH1 protein function. This variant has not been reported in the literature in individuals affected with IFIH1-related conditions. This variant is present in population databases (no rsID available, gnomAD 0.0009%). This sequence change replaces glutamine, which is neutral and polar, with leucine, which is neutral and non-polar, at codon 584 of the IFIH1 protein (p.Gln584Leu).

NM_022168.4(IFIH1):c.1751A>T (p.Gln584Leu)

Gene: IFIH1 (interferon induced with helicase C domain 1; minus strand). Cytogenetic location: 2q24.2.
Variant type: single nucleotide variant.
Coding change: c.1751A>T on transcript NM_022168.4 (MANE Select); coding-DNA position 1751, A replaced by T.
Protein change: p.Gln584Leu; replaces glutamine 584 with leucine.
Molecular consequence: missense variant.
Genome position (GRCh38, 1-based): chr2:162,278,219, T>A on the plus strand (A>T on the coding strand, the complement: IFIH1 is on the minus strand). VCF-style: chr2-162278219-T-A. GRCh37 (hg19) VCF-style: chr2-163134729-T-A.
Other names: short protein forms Q584L.
Identifiers: ClinVar variation 2951047 (VCV002951047.3), dbSNP rs1190776499, ClinGen allele CA349000064.